The following is an entry in ClinVar:

NM_001853.4(COL9A3):c.379G>A (p.Gly127Arg)

Gene: COL9A3 (collagen type IX alpha 3 chain; plus strand). Cytogenetic location: 20q13.33.
Variant type: single nucleotide variant.
Coding change: c.379G>A on transcript NM_001853.4 (MANE Select); coding-DNA position 379, G replaced by A.
Protein change: p.Gly127Arg; replaces glycine 127 with arginine.
Molecular consequence: missense variant.
Genome position (GRCh38, 1-based): chr20:62,821,766, G>A. VCF-style: chr20-62821766-G-A. GRCh37 (hg19) VCF-style: chr20-61453118-G-A.
Other names: c.379G>A (NM_001853.3); short protein forms G127R.
Identifiers: ClinVar variation 1481229 (VCV001481229.4), dbSNP rs1347146027, ClinGen allele CA409588434.

ClinVar aggregate classification (germline): Uncertain significance. Review status: criteria provided, multiple submitters, no conflicts (2 of 4 stars). 2 submissions from 2 submitters: Uncertain significance (2). Last evaluated 2025-09-25.

Conditions:
Inborn genetic diseases. Identifiers: MedGen C0950123, MeSH D030342.

Allele frequency attached by ClinVar (database versions not stated): TOPMed below 0.00001; gnomAD exomes below 0.00001.
gnomAD v4.1: 6 of 1,610,580 alleles (0.00037%); highest among the groups gnomAD compares: African/African-American, 0.0013%; no homozygotes.

Submissions (2):

Ambry Genetics
Classification: Uncertain significance for Inborn genetic diseases. Last evaluated: 2025-09-25. Review status: criteria provided, single submitter. Criteria: Ambry Variant Classification Scheme 2023. Collection method: clinical testing. Allele origin: germline.

Labcorp Genetics (formerly Invitae), Labcorp
Classification: Uncertain significance. Last evaluated: 2022-05-05. Review status: criteria provided, single submitter. Criteria: Invitae Variant Classification Sherloc (09022015). Collection method: clinical testing. Allele origin: germline.
Comment: This sequence change replaces glycine, which is neutral and non-polar, with arginine, which is basic and polar, at codon 127 of the COL9A3 protein (p.Gly127Arg). The frequency data for this variant in the population databases is considered unreliable, as metrics indicate poor data quality at this position in the gnomAD database. This variant has not been reported in the literature in individuals affected with COL9A3-related conditions. Advanced modeling of protein sequence and biophysical properties (such as structural, functional, and spatial information, amino acid conservation, physicochemical variation, residue mobility, and thermodynamic stability) performed at Invitae indicates that this missense variant is expected to disrupt COL9A3 protein function. In summary, the available evidence is currently insufficient to determine the role of this variant in disease. Therefore, it has been classified as a Variant of Uncertain Significance.